The following is an entry in ClinVar:

ClinVar aggregate classification (germline): Benign/Likely benign. Review status: criteria provided, multiple submitters, no conflicts (2 of 4 stars). 6 submissions from 6 submitters: Benign (2); Likely benign (4). Last evaluated 2026-09-01.

Conditions:
Spastic paraplegia. Identifiers: MedGen C0037772, HP:0001258.

Allele frequency attached by ClinVar (database versions not stated): 1000 Genomes Project 30x 0.00016; 1000 Genomes Project 0.00020; ESP Exome Variant Server 0.00062; ExAC 0.00121; gnomAD exomes 0.00126 and 0.00134; gnomAD 0.00147 and 0.00151; TOPMed 0.00156.
gnomAD v4.1: 2,110 of 1,613,870 alleles (0.13%); highest among the groups gnomAD compares: Admixed American, 0.31%; 8 homozygotes.

Submissions (6):

CeGaT Center for Human Genetics Tuebingen
Classification: Likely benign. Last evaluated: 2026-09-01. Review status: criteria provided, single submitter. Criteria: CeGaT Center For Human Genetics Tuebingen Variant Classification Criteria Version 2. Collection method: clinical testing. Allele origin: germline. Affected: yes. Observed: 9 variant alleles.
Comment: B4GALNT1: BP4, BP7

Labcorp Genetics (formerly Invitae), Labcorp
Classification: Benign for Spastic paraplegia. Last evaluated: 2025-12-25. Review status: criteria provided, single submitter. Criteria: Invitae Variant Classification Sherloc (09022015). Collection method: clinical testing. Allele origin: germline.

Mayo Clinic Laboratories, Mayo Clinic
Classification: Benign. Last evaluated: 2024-12-06. Review status: criteria provided, single submitter. Criteria: ACMG Guidelines, 2015. Collection method: clinical testing. Allele origin: germline. Observed: 7 variant alleles.
Comment: BS1, BS2, BP4, BP7

Blueprint Genetics
Classification: Likely benign. Last evaluated: 2024-11-07. Review status: criteria provided, single submitter. Criteria: ACMG Guidelines, 2015. Collection method: clinical testing. Allele origin: germline.

GeneDx
Classification: Likely benign. Last evaluated: 2021-04-23. Review status: criteria provided, single submitter. Criteria: GeneDx Variant Classification Process June 2021. Collection method: clinical testing. Allele origin: germline. Affected: yes.

Breakthrough Genomics
Classification: Likely benign. Review status: criteria provided, single submitter. Criteria: ACMG Guidelines, 2015. Collection method: not provided. Allele origin: germline. Inheritance: Autosomal recessive inheritance. Affected: yes.

NM_001478.5(B4GALNT1):c.1135C>T (p.Leu379=)

Gene: B4GALNT1 (beta-1,4-N-acetyl-galactosaminyltransferase 1; minus strand). Cytogenetic location: 12q13.3.
Variant type: single nucleotide variant.
Coding change: c.1135C>T on transcript NM_001478.5 (MANE Select); coding-DNA position 1135, C replaced by T.
Protein change: p.Leu379=; no amino-acid change (leucine 379 retained).
Molecular consequence: synonymous variant.
Genome position (GRCh38, 1-based): chr12:57,628,130, G>A on the plus strand (C>T on the coding strand, the complement: B4GALNT1 is on the minus strand). VCF-style: chr12-57628130-G-A. GRCh37 (hg19) VCF-style: chr12-58021913-G-A.
Other names: p.Leu379=; c.970C>T, p.Leu324= (NM_001276468.2).
Identifiers: ClinVar variation 413848 (VCV000413848.49), dbSNP rs151177784, ClinGen allele CA6655529.